The following is an entry in ClinVar:

NM_001845.6(COL4A1):c.3553A>G (p.Lys1185Glu)

Gene: COL4A1 (collagen type IV alpha 1 chain; minus strand). Cytogenetic location: 13q34.
Variant type: single nucleotide variant.
Coding change: c.3553A>G on transcript NM_001845.6 (MANE Select); coding-DNA position 3553, A replaced by G.
Protein change: p.Lys1185Glu; replaces lysine 1185 with glutamic acid.
Molecular consequence: missense variant.
Genome position (GRCh38, 1-based): chr13:110,172,723, T>C on the plus strand (A>G on the coding strand, the complement: COL4A1 is on the minus strand). VCF-style: chr13-110172723-T-C. GRCh37 (hg19) VCF-style: chr13-110825070-T-C.
Other names: short protein forms K1185E.
Identifiers: ClinVar variation 3615531 (VCV003615531.2).

ClinVar aggregate classification (germline): Uncertain significance (1 of 4 stars; one submission).

Submission:

Labcorp Genetics (formerly Invitae), Labcorp
Classification: Uncertain significance. Last evaluated: 2024-03-24. Review status: criteria provided, single submitter. Criteria: Invitae Variant Classification Sherloc (09022015). Collection method: clinical testing. Allele origin: germline.
Comment: This sequence change replaces lysine, which is basic and polar, with glutamic acid, which is acidic and polar, at codon 1185 of the COL4A1 protein (p.Lys1185Glu). This variant is not present in population databases (gnomAD no frequency). This variant has not been reported in the literature in individuals affected with COL4A1-related conditions. An algorithm developed to predict the effect of missense changes on protein structure and function (PolyPhen-2) suggests that this variant is likely to be disruptive. In summary, the available evidence is currently insufficient to determine the role of this variant in disease. Therefore, it has been classified as a Variant of Uncertain Significance.